The following is an entry in ClinVar:

NM_015338.6(ASXL1):c.1796C>A (p.Pro599His)

Gene: ASXL1 (ASXL transcriptional regulator 1; plus strand). Cytogenetic location: 20q11.21.
Variant type: single nucleotide variant.
Coding change: c.1796C>A on transcript NM_015338.6 (MANE Select); coding-DNA position 1796, C replaced by A.
Protein change: p.Pro599His; replaces proline 599 with histidine.
Molecular consequence: missense variant.
Genome position (GRCh38, 1-based): chr20:32,434,508, C>A. VCF-style: chr20-32434508-C-A. GRCh37 (hg19) VCF-style: chr20-31022311-C-A.
Other names: c.1613C>A, p.Pro538His (NM_001363734.1); short protein forms P538H, P599H.
Identifiers: ClinVar variation 3956652 (VCV003956652.1).

ClinVar aggregate classification (germline): Uncertain significance (1 of 4 stars; one submission).

Conditions:
Inborn genetic diseases. Identifiers: MedGen C0950123, MeSH D030342.

Submission:

Ambry Genetics
Classification: Uncertain significance for Inborn genetic diseases. Last evaluated: 2025-05-05. Review status: criteria provided, single submitter. Criteria: Ambry Variant Classification Scheme 2023. Collection method: clinical testing. Allele origin: germline.
Comment: The p.P599H variant (also known as c.1796C>A), located in coding exon 13 of the ASXL1 gene, results from a C to A substitution at nucleotide position 1796. The proline at codon 599 is replaced by histidine, an amino acid with similar properties. This amino acid position is conserved. In addition, the in silico prediction for this alteration is inconclusive. Based on the available evidence, the clinical significance of this variant remains unclear.